The following is an entry in ClinVar:

NM_024642.5(GALNT12):c.179G>A (p.Arg60Gln)

Gene: GALNT12 (polypeptide N-acetylgalactosaminyltransferase 12; plus strand). Cytogenetic location: 9q22.33.
Variant type: single nucleotide variant.
Coding change: c.179G>A on transcript NM_024642.5 (MANE Select); coding-DNA position 179, G replaced by A.
Protein change: p.Arg60Gln; replaces arginine 60 with glutamine.
Molecular consequence: missense variant.
Genome position (GRCh38, 1-based): chr9:98,807,877, G>A. VCF-style: chr9-98807877-G-A. GRCh37 (hg19) VCF-style: chr9-101570159-G-A.
Other names: short protein forms R60Q.
Identifiers: ClinVar variation 2473008 (VCV002473008.2), dbSNP rs2118256726, ClinGen allele CA374222466.

ClinVar aggregate classification (germline): Uncertain significance (1 of 4 stars; one submission).

Allele frequency attached by ClinVar (database versions not stated): gnomAD 0.00001; gnomAD exomes 0.00002; 1000 Genomes Project 30x 0.00016.
gnomAD v4.1: 2 of 1,048,226 alleles (0.00019%); highest among the groups gnomAD compares: Non-Finnish European, 0.00023%; no homozygotes.

Submission:

Ambry Genetics
Classification: Uncertain significance. Last evaluated: 2023-03-06. Review status: criteria provided, single submitter. Criteria: Ambry Variant Classification Scheme 2023. Collection method: clinical testing. Allele origin: germline.
Comment: The p.R60Q variant (also known as c.179G>A), located in coding exon 1 of the GALNT12 gene, results from a G to A substitution at nucleotide position 179. The arginine at codon 60 is replaced by glutamine, an amino acid with highly similar properties. This amino acid position is highly conserved in available vertebrate species. In addition, this alteration is predicted to be tolerated by in silico analysis. The evidence for this gene-disease relationship is limited; therefore, the clinical significance of this alteration is unclear.